The following is an entry in ClinVar:

ClinVar aggregate classification (germline): Uncertain significance. Review status: criteria provided, multiple submitters, no conflicts (2 of 4 stars). 2 submissions from 2 submitters: Uncertain significance (2). Last evaluated 2025-03-31.

Conditions:
Fanconi anemia complementation group L (FANCL). Also called: FANCL-Related Fanconi Anemia. Identifiers: Orphanet 84, MedGen C3469528, MONDO:0013566, OMIM 614083.
Fanconi anemia (FA). Also called: Fanconi's anemia. Identifiers: Orphanet 84, MedGen C0015625, MeSH D005199, MONDO:0019391.

Allele frequency attached by ClinVar (database versions not stated): TOPMed below 0.00001; ExAC 0.00001; gnomAD exomes 0.00001.
gnomAD v4.1: 10 of 1,614,252 alleles (0.00062%); highest among the groups gnomAD compares: Non-Finnish European, 0.000085%; no homozygotes.

Submissions (2):

Labcorp Genetics (formerly Invitae), Labcorp
Classification: Uncertain significance for Fanconi anemia. Last evaluated: 2025-03-31. Review status: criteria provided, single submitter. Criteria: Invitae Variant Classification Sherloc (09022015). Collection method: clinical testing. Allele origin: germline.
Comment: This sequence change replaces threonine, which is neutral and polar, with isoleucine, which is neutral and non-polar, at codon 23 of the FANCL protein (p.Thr23Ile). This variant is present in population databases (rs750217091, gnomAD 0.02%). This missense change has been observed in individual(s) with ovarian insufficiency (PMID: 35066699). ClinVar contains an entry for this variant (Variation ID: 2159751). An algorithm developed to predict the effect of missense changes on protein structure and function (PolyPhen-2) suggests that this variant is likely to be disruptive. In summary, the available evidence is currently insufficient to determine the role of this variant in disease. Therefore, it has been classified as a Variant of Uncertain Significance.

Fulgent Genetics
Classification: Uncertain significance for Fanconi anemia complementation group L. Last evaluated: 2024-06-12. Review status: criteria provided, single submitter. Criteria: ACMG Guidelines, 2015. Collection method: clinical testing. Allele origin: germline.

Literature cited by the submitters: PubMed 35066699 (cited by Labcorp Genetics (formerly Invitae), Labcorp).

NM_018062.4(FANCL):c.68C>T (p.Thr23Ile)

Gene: FANCL (FA complementation group L; minus strand). Cytogenetic location: 2p16.1.
Variant type: single nucleotide variant.
Coding change: c.68C>T on transcript NM_018062.4 (MANE Select); coding-DNA position 68, C replaced by T.
Protein change: p.Thr23Ile; replaces threonine 23 with isoleucine.
Molecular consequence: missense variant.
Genome position (GRCh38, 1-based): chr2:58,241,246, G>A on the plus strand (C>T on the coding strand, the complement: FANCL is on the minus strand). VCF-style: chr2-58241246-G-A. GRCh37 (hg19) VCF-style: chr2-58468381-G-A.
Other names: c.68C>T, p.Thr23Ile (NM_001114636.2, NM_001374615.1, NM_001410792.1); short protein forms T23I.
Identifiers: ClinVar variation 2159751 (VCV002159751.3), dbSNP rs750217091, ClinGen allele CA1670822.